The following is an entry in ClinVar:

ClinVar aggregate classification (germline): Uncertain significance (1 of 4 stars; one submission).

Submission:

GeneDx
Classification: Uncertain significance. Last evaluated: 2025-07-30. Review status: criteria provided, single submitter. Criteria: GeneDx Variant Classification Process June 2021. Collection method: clinical testing. Allele origin: germline. Affected: yes.
Comment: Not observed at significant frequency in large population cohorts (gnomAD); In silico analysis suggests that this missense variant does not alter protein structure/function; Has not been previously published as pathogenic or benign to our knowledge

NM_033310.3(KCNK4):c.1105C>T (p.Arg369Cys)

Genes: KCNK4 (potassium two pore domain channel subfamily K member 4; plus strand), KCNK4-CATSPERZ (KCNK4-CATSPERZ readthrough (NMD candidate); plus strand). Cytogenetic location: 11q13.1.
Variant type: single nucleotide variant.
Coding change: c.1105C>T on transcript NM_033310.3 (MANE Select); coding-DNA position 1105, C replaced by T.
Protein change: p.Arg369Cys; replaces arginine 369 with cysteine.
Molecular consequence: missense variant. On other transcripts: non-coding transcript variant (3).
Genome position (GRCh38, 1-based): chr11:64,299,649, C>T. VCF-style: chr11-64299649-C-T. GRCh37 (hg19) VCF-style: chr11-64067121-C-T.
Other names: c.1105C>T, p.Arg369Cys (NM_001317090.2); short protein forms R369C.
Identifiers: ClinVar variation 4689913 (VCV004689913.1).
Genomic context (GRCh38, chr11:64,299,649, plus strand): 5'-GAGTCCTCGGATACGCAGAGCGAGCGCGGCTGCCCGCTGCCCCGCGCGCCGAGAGGTCGC[C>T]GCCGCCCAAATCCCCCCAGGAAGCCCGTGCGGCCCCGCGGCCCCGGGCGTCCCCGAGACA-3'
Protein context (NP_201567.1, residues 359-379): CPLPRAPRGR[Arg369Cys]RPNPPRKPVR